The following is an entry in ClinVar:

ClinVar aggregate classification (germline): Uncertain significance. Review status: criteria provided, multiple submitters, no conflicts (2 of 4 stars). 2 submissions from 2 submitters: Uncertain significance (2). Last evaluated 2025-01-24.

Submissions (2):

GeneDx
Classification: Uncertain significance. Last evaluated: 2025-01-24. Review status: criteria provided, single submitter. Criteria: GeneDx Variant Classification Process June 2021. Collection method: clinical testing. Allele origin: germline. Affected: yes.
Comment: Not observed at significant frequency in large population cohorts (gnomAD); In silico analysis supports that this missense variant has a deleterious effect on protein structure/function; Has not been previously published as pathogenic or benign to our knowledge

Greenwood Genetic Center Diagnostic Laboratories, Greenwood Genetic Center
Classification: Uncertain significance. Last evaluated: 2024-10-03. Review status: criteria provided, single submitter. Criteria: ACMG Guidelines, 2015. Collection method: clinical testing. Allele origin: germline. Affected: yes.
Comment: PM2, PP2

NM_001282534.2(KCNK9):c.572A>G (p.Tyr191Cys)

Gene: KCNK9 (potassium two pore domain channel subfamily K member 9; minus strand). Cytogenetic location: 8q24.3.
Variant type: single nucleotide variant.
Coding change: c.572A>G on transcript NM_001282534.2 (MANE Select); coding-DNA position 572, A replaced by G.
Protein change: p.Tyr191Cys; replaces tyrosine 191 with cysteine.
Molecular consequence: missense variant. On other transcripts: non-coding transcript variant (1).
Genome position (GRCh38, 1-based): chr8:139,618,811, T>C on the plus strand (A>G on the coding strand, the complement: KCNK9 is on the minus strand). VCF-style: chr8-139618811-T-C. GRCh37 (hg19) VCF-style: chr8-140631054-T-C.
Other names: c.572A>G (NM_001282534.1); short protein forms Y191C.
Identifiers: ClinVar variation 3765685 (VCV003765685.2).
Genomic context (GRCh38, chr8:139,618,811, plus strand): 5'-TTGGTCTGCAGGGCCACGTAGTCCCCGAACCCAATGGTAGTCAACGTGATGAAGCAGTAG[T>C]AGTAGGCGTGGAAGAAGCTCCACTCCTCACACTGGGAGAAGGCGGCCGCCCCGATGCACA-3'
Protein context (NP_001269463.1, residues 181-201): CEEWSFFHAY[Tyr191Cys]YCFITLTTIG